The following is an entry in ClinVar:

ClinVar aggregate classification (germline): Benign/Likely benign. Review status: criteria provided, multiple submitters, no conflicts (2 of 4 stars). 3 submissions from 3 submitters: Benign (1); Likely benign (2). Last evaluated 2024-11-14.

Conditions:
Renal cell carcinoma. Identifiers: Orphanet 217071, MedGen C0007134, MeSH D002292, MONDO:0005086, HP:0005584.
Hereditary cancer-predisposing syndrome. Also called: Tumor predisposition; Hereditary neoplastic syndrome; Neoplastic Syndromes, Hereditary; Hereditary Cancer Syndrome. Identifiers: Orphanet 140162, MedGen C0027672, MeSH D009386, MONDO:0015356.
Papillary renal cell carcinoma type 1 (RCCP1). Also called: RENAL CELL CARCINOMA, PAPILLARY, 1, SOMATIC; Renal adenocarcinoma; Renal cell carcinoma 1; Renal cell carcinoma, somatic. Identifiers: Orphanet 47044, MedGen C1336839, OMIM 605074, HP:0011797.

Submissions (3):

Myriad Genetics, Inc.
Classification: Benign for Papillary renal cell carcinoma type 1. Last evaluated: 2024-11-14. Review status: criteria provided, single submitter. Criteria: Myriad Autosomal Dominant, Autosomal Recessive and X-Linked Classification Criteria (2023). Collection method: clinical testing. Allele origin: unknown.
Comment: This variant is considered benign. This variant is a silent/synonymous amino acid change and it is not expected to impact splicing.

Labcorp Genetics (formerly Invitae), Labcorp
Classification: Likely benign for Renal cell carcinoma. Last evaluated: 2024-05-08. Review status: criteria provided, single submitter. Criteria: Invitae Variant Classification Sherloc (09022015). Collection method: clinical testing. Allele origin: germline.

Ambry Genetics
Classification: Likely benign for Hereditary cancer-predisposing syndrome. Last evaluated: 2020-03-16. Review status: criteria provided, single submitter. Criteria: Ambry Variant Classification Scheme 2023. Collection method: clinical testing. Allele origin: germline.

NM_000245.4(MET):c.3906C>T (p.Leu1302=)

Gene: MET (MET proto-oncogene, receptor tyrosine kinase; plus strand). Cytogenetic location: 7q31.2.
Variant type: single nucleotide variant.
Coding change: c.3906C>T on transcript NM_000245.4 (MANE Select); coding-DNA position 3906, C replaced by T.
Protein change: p.Leu1302=; no amino-acid change (leucine 1302 retained).
Molecular consequence: synonymous variant.
Genome position (GRCh38, 1-based): chr7:116,795,762, C>T. VCF-style: chr7-116795762-C-T. GRCh37 (hg19) VCF-style: chr7-116435816-C-T.
Other names: c.3960C>T, p.Leu1320= (NM_001127500.3); c.2616C>T, p.Leu872= (NM_001324402.2).
Identifiers: ClinVar variation 751285 (VCV000751285.11), dbSNP rs1584978021, ClinGen allele CA457462363.
Genomic context (GRCh38, chr7:116,795,762, plus strand): 5'-ACCTTATCCTGACGTAAACACCTTTGATATAACTGTTTACTTGTTGCAAGGGAGAAGACT[C>T]CTACAACCCGAATACTGCCCAGACCCCTTGTAAGTAGTCTTTCTGTACCTCTTACGTTCT-3'
Protein context (NP_000236.2, residues 1292-1312): ITVYLLQGRR[Leu1302=]LQPEYCPDPL